The following is an entry in ClinVar:

NM_015271.5(TRIM2):c.1235A>T (p.Lys412Met)

Gene: TRIM2 (tripartite motif containing 2; plus strand). Cytogenetic location: 4q31.3.
Variant type: single nucleotide variant.
Coding change: c.1235A>T on transcript NM_015271.5 (MANE Select); coding-DNA position 1235, A replaced by T.
Protein change: p.Lys412Met; replaces lysine 412 with methionine.
Molecular consequence: missense variant.
Genome position (GRCh38, 1-based): chr4:153,295,761, A>T. VCF-style: chr4-153295761-A-T. GRCh37 (hg19) VCF-style: chr4-154216913-A-T.
Other names: c.1154A>T, p.Lys385Met (NM_001130067.2, NM_001351056.2, NM_001375512.1 and 5 more transcripts); c.1208A>T, p.Lys403Met (NM_001351054.2); c.1205A>T, p.Lys402Met (NM_001351055.2); c.779A>T, p.Lys260Met (NM_001351057.2); c.1328A>T, p.Lys443Met (NM_001375488.1); c.1325A>T, p.Lys442Met (NM_001375489.1); c.1178A>T, p.Lys393Met (NM_001375490.1); c.1175A>T, p.Lys392Met (NM_001375491.1); and 3 more; short protein forms K299M, K393M, K300M, K403M, K442M, K443M, K301M, K385M.
Identifiers: ClinVar variation 1993571 (VCV001993571.4), dbSNP rs2546530091, ClinGen allele CA358473259.

ClinVar aggregate classification (germline): Uncertain significance (1 of 4 stars; one submission).

Conditions:
Charcot-Marie-Tooth disease type 2R. Also called: CHARCOT-MARIE-TOOTH DISEASE, AXONAL, AUTOSOMAL RECESSIVE, TYPE 2R; Charcot-Marie-Tooth disease, axonal, type 2R; CHARCOT-MARIE-TOOTH NEUROPATHY, TYPE 2R. Identifiers: Orphanet 397968, MedGen C3809655, MONDO:0014208, OMIM 615490.

Submission:

Labcorp Genetics (formerly Invitae), Labcorp
Classification: Uncertain significance for Charcot-Marie-Tooth disease type 2R. Last evaluated: 2022-05-12. Review status: criteria provided, single submitter. Criteria: Invitae Variant Classification Sherloc (09022015). Collection method: clinical testing. Allele origin: germline.
Comment: In summary, the available evidence is currently insufficient to determine the role of this variant in disease. Therefore, it has been classified as a Variant of Uncertain Significance. Algorithms developed to predict the effect of missense changes on protein structure and function are either unavailable or do not agree on the potential impact of this missense change (SIFT: "Deleterious"; PolyPhen-2: "Probably Damaging"; Align-GVGD: "Class C0"). This variant has not been reported in the literature in individuals affected with TRIM2-related conditions. This variant is not present in population databases (gnomAD no frequency). This sequence change replaces lysine, which is basic and polar, with methionine, which is neutral and non-polar, at codon 385 of the TRIM2 protein (p.Lys385Met).